The following is an entry in ClinVar:

ClinVar aggregate classification (germline): Conflicting classifications of pathogenicity. Review status: criteria provided, conflicting classifications (1 of 4 stars). 5 submissions from 5 submitters: Uncertain significance (4); Likely benign (1). Last evaluated 2026-01-11.

Conditions:
Jeune thoracic dystrophy. Also called: Jeune syndrome; Infantile thoracic dystrophy; Thoracic pelvic phalangeal dystrophy; Jeune's syndrome; Chondroectodermal dysplasia-like syndrome; Short-rib thoracic dysplasia. Identifiers: Orphanet 474, MedGen C0265275, MONDO:0018770.

Allele frequency attached by ClinVar (database versions not stated): gnomAD 0.00025 and 0.00026; gnomAD exomes 0.00025; TOPMed 0.00029; ExAC 0.00030; ESP Exome Variant Server 0.00034.
gnomAD v4.1: 518 of 1,612,610 alleles (0.032%); highest among the groups gnomAD compares: Non-Finnish European, 0.042%; no homozygotes.

Submissions (5):

Labcorp Genetics (formerly Invitae), Labcorp
Classification: Likely benign for Jeune thoracic dystrophy. Last evaluated: 2026-01-11. Review status: criteria provided, single submitter. Criteria: Invitae Variant Classification Sherloc (09022015). Collection method: clinical testing. Allele origin: germline.

Blueprint Genetics
Classification: Uncertain significance. Last evaluated: 2024-09-19. Review status: criteria provided, single submitter. Criteria: ACMG Guidelines, 2015. Collection method: clinical testing. Allele origin: germline.

GeneDx
Classification: Uncertain significance. Last evaluated: 2021-04-13. Review status: criteria provided, single submitter. Criteria: GeneDx Variant Classification Process June 2021. Collection method: clinical testing. Allele origin: germline. Affected: yes.
Comment: In silico analysis, which includes protein predictors and evolutionary conservation, supports that this variant does not alter protein structure/function; Has not been previously published as pathogenic or benign to our knowledge

ARUP Laboratories, Molecular Genetics and Genomics, ARUP Laboratories
Classification: Uncertain significance. Last evaluated: 2019-01-04. Review status: criteria provided, single submitter. Criteria: ARUP Molecular Germline Variant Investigation Process. Collection method: clinical testing. Allele origin: germline.
Comment: The p.Thr1639Lys variant has not been reported in the medical literature or gene specific variation databases. However, it has been reported to ClinVar (Variation ID 287528). This variant (rs200239560) is listed in the Genome Aggregation Consortium (gnomAD) browser with overall allele frequency of 0.026 percent (identified on 71 out of 276,284 chromosomes). The threonine at position 1639 is moderately conserved (considering 28 species) and multiple avian and lobe-finned fish species have lysine at this position. Computational analyses of the effects of the p.Thr1639Lys variant on protein structure and function predict a benign effect (SIFT: tolerated, MutationTaster: polymorphism, PolyPhen-2: benign).

Eurofins Ntd Llc (ga)
Classification: Uncertain significance. Last evaluated: 2016-05-03. Review status: criteria provided, single submitter. Criteria: EGL Classification Definitions 2015. Collection method: clinical testing. Allele origin: germline. Observed: 1 variant allele, 1 heterozygote.

NM_001377.3(DYNC2H1):c.4916C>A (p.Thr1639Lys)

Gene: DYNC2H1 (dynein cytoplasmic 2 heavy chain 1; plus strand). Cytogenetic location: 11q22.3.
Variant type: single nucleotide variant.
Coding change: c.4916C>A on transcript NM_001377.3 (MANE Select); coding-DNA position 4916, C replaced by A.
Protein change: p.Thr1639Lys; replaces threonine 1639 with lysine.
Molecular consequence: missense variant.
Genome position (GRCh38, 1-based): chr11:103,168,908, C>A. VCF-style: chr11-103168908-C-A. GRCh37 (hg19) VCF-style: chr11-103039637-C-A.
Other names: c.4916C>A, p.Thr1639Lys (NM_001080463.2); short protein forms T1639K.
Identifiers: ClinVar variation 287528 (VCV000287528.25), dbSNP rs200239560, ClinGen allele CA6253654.